The following is an entry in ClinVar:

ClinVar aggregate classification (germline): Pathogenic (1 of 4 stars; one submission).

Conditions:
Duchenne muscular dystrophy (DMD). Also called: Duchenne Muscular Dystrophy (DMD); MUSCULAR DYSTROPHY, PSEUDOHYPERTROPHIC PROGRESSIVE, DUCHENNE TYPE. Identifiers: Orphanet 98896, MedGen C0013264, MONDO:0010679, OMIM 310200.
Becker muscular dystrophy (BMD). Also called: MUSCULAR DYSTROPHY, PSEUDOHYPERTROPHIC PROGRESSIVE, BECKER TYPE; Becker Muscular Dystrophy (BMD). Identifiers: Orphanet 98895, MedGen C0917713, MONDO:0010311, OMIM 300376.
Dilated cardiomyopathy 3B (CMD3B). Also called: CMD3B: DMD-Related Dilated Cardiomyopathy; CARDIOMYOPATHY, DILATED, X-LINKED; DMD-Associated Dilated Cardiomyopathy. Identifiers: Orphanet 154, MedGen C3668940, MONDO:0010542, OMIM 302045.

Submission:

Juno Genomics, Hangzhou Juno Genomics, Inc
Classification: Pathogenic for Becker muscular dystrophy; Dilated cardiomyopathy 3B; Duchenne muscular dystrophy. Review status: criteria provided, single submitter. Criteria: ACMG Guidelines, 2015. Collection method: clinical testing. Allele origin: germline. Affected: yes.
Comment: Null variant in a gene where loss of function (LOF) is a known mechanism of disease.;Absent from controls (or at extremely low frequency if recessive) in Genome Aggregation Database, Exome Sequencing Project, 1000 Genomes Project, or Exome Aggregation Consortium.;Patient's phenotype or family history is highly specific for a disease with a single genetic etiology.

NM_004006.3(DMD):c.3305_3308dup (p.Ser1104fs)

Gene: DMD (dystrophin; minus strand). Cytogenetic location: Xp21.1.
Variant type: Duplication.
Coding change: c.3305_3308dup on transcript NM_004006.3 (MANE Select); coding-DNA positions 3305 to 3308, 4 bases duplicated (AGCC; older notation c.3305_3308dupAGCC).
Protein change: p.Ser1104fs; shifts the reading frame from serine 1104.
Molecular consequence: frameshift variant.
Genome position (GRCh38, 1-based): chrX:32,463,563-32,463,566, GGCT duplicated on the plus strand (AGCC on the coding strand, the reverse complement: DMD is on the minus strand); duplicating any 4 consecutive bases within chrX:32,463,563-32,463,567 gives the same sequence; the c. name uses the placement nearest the transcript's 3' end. VCF-style (leftmost placement, unchanged base first): chrX-32463562-G-GGGCT. GRCh37 (hg19) VCF-style: chrX-32481679-G-GGGCT.
Other names: c.3281_3284dup, p.Ser1096fs (NM_000109.4); c.3293_3296dup, p.Ser1100fs (NM_004009.3); c.2936_2939dup, p.Ser981fs (NM_004010.3); short protein forms S1096fs, S1100fs, S1104fs, S981fs.
Identifiers: ClinVar variation 3383042 (VCV003383042.2).